The following is an entry in ClinVar:

ClinVar aggregate classification (germline): Likely benign (1 of 4 stars; one submission).

Allele frequency attached by ClinVar (database versions not stated): gnomAD 0.00001; TOPMed 0.00001.

Submission:

CeGaT Center for Human Genetics Tuebingen
Classification: Likely benign. Last evaluated: 2022-10-01. Review status: criteria provided, single submitter. Criteria: CeGaT Center For Human Genetics Tuebingen Variant Classification Criteria Version 2. Collection method: clinical testing. Allele origin: germline. Affected: yes. Observed: 1 variant allele.
Comment: ADRA2C: BP4, BP7

NM_000683.4(ADRA2C):c.951T>C (p.Gly317=)

Gene: ADRA2C (adrenoceptor alpha 2C; plus strand). Cytogenetic location: 4p16.3.
Variant type: single nucleotide variant.
Coding change: c.951T>C on transcript NM_000683.4 (MANE Select); coding-DNA position 951, T replaced by C.
Protein change: p.Gly317=; no amino-acid change (glycine 317 retained).
Molecular consequence: synonymous variant.
Genome position (GRCh38, 1-based): chr4:3,767,557, T>C. VCF-style: chr4-3767557-T-C. GRCh37 (hg19) VCF-style: chr4-3769284-T-C.
Identifiers: ClinVar variation 2654606 (VCV002654606.24), dbSNP rs1161371305, ClinGen allele CA438363842.